The following is an entry in ClinVar:

ClinVar aggregate classification (germline): Uncertain significance (1 of 4 stars; one submission).

Conditions:
Tumor predisposition syndrome 3 (TPDS3). Also called: Melanoma, cutaneous malignant, susceptibility to, 10; Glioma susceptibility 9; LONG TELOMERE SYNDROME, POT1-RELATED; POT1 Tumor Predisposition. Identifiers: Orphanet 618, MedGen C4014476, MONDO:0014368, OMIM 615848.

Submission:

Labcorp Genetics (formerly Invitae), Labcorp
Classification: Uncertain significance for Tumor predisposition syndrome 3. Last evaluated: 2025-04-27. Review status: criteria provided, single submitter. Criteria: Invitae Variant Classification Sherloc (09022015). Collection method: clinical testing. Allele origin: germline.
Comment: This sequence change replaces threonine, which is neutral and polar, with asparagine, which is neutral and polar, at codon 406 of the POT1 protein (p.Thr406Asn). This variant is not present in population databases (gnomAD no frequency). This variant has not been reported in the literature in individuals affected with POT1-related conditions. Invitae Evidence Modeling of protein sequence and biophysical properties (such as structural, functional, and spatial information, amino acid conservation, physicochemical variation, residue mobility, and thermodynamic stability) indicates that this missense variant is not expected to disrupt POT1 protein function with a negative predictive value of 80%. In summary, the available evidence is currently insufficient to determine the role of this variant in disease. Therefore, it has been classified as a Variant of Uncertain Significance.

NM_015450.3(POT1):c.1217C>A (p.Thr406Asn)

Gene: POT1 (protection of telomeres 1; minus strand). Cytogenetic location: 7q31.33.
Variant type: single nucleotide variant.
Coding change: c.1217C>A on transcript NM_015450.3 (MANE Select); coding-DNA position 1217, C replaced by A.
Protein change: p.Thr406Asn; replaces threonine 406 with asparagine.
Molecular consequence: missense variant. On other transcripts: non-coding transcript variant (3).
Genome position (GRCh38, 1-based): chr7:124,841,125, G>T on the plus strand (C>A on the coding strand, the complement: POT1 is on the minus strand). VCF-style: chr7-124841125-G-T. GRCh37 (hg19) VCF-style: chr7-124481179-G-T.
Other names: c.824C>A, p.Thr275Asn (NM_001042594.2); short protein forms T275N, T406N.
Identifiers: ClinVar variation 4741090 (VCV004741090.1).